The following is an entry in ClinVar:

NM_000059.4(BRCA2):c.6194A>C (p.Gln2065Pro)

Gene: BRCA2 (BRCA2 DNA repair associated; plus strand). Cytogenetic location: 13q13.1.
Variant type: single nucleotide variant.
Coding change: c.6194A>C on transcript NM_000059.4 (MANE Select); coding-DNA position 6194, A replaced by C.
Protein change: p.Gln2065Pro; replaces glutamine 2065 with proline.
Molecular consequence: missense variant. On other transcripts: non-coding transcript variant (1), intron variant (2).
Genome position (GRCh38, 1-based): chr13:32,340,549, A>C. VCF-style: chr13-32340549-A-C. GRCh37 (hg19) VCF-style: chr13-32914686-A-C.
Other names: c.6194A>C, p.Gln2065Pro (NM_001406720.1, NM_001432077.1, NM_001406719.1); c.1910-4009A>C (NM_001406721.1); c.425-4009A>C (NM_001406722.1); short protein forms Q2065P.
Identifiers: ClinVar variation 4856453 (VCV004856453.1).
Genomic context (GRCh38, chr13:32,340,549, plus strand): 5'-TTTCATATAATGTGGTAAATTCATCTGCTTTCTCTGGATTTAGTACAGCAAGTGGAAAGC[A>C]AGTTTCCATTTTAGAAAGTTCCTTACACAAAGTTAAGGGAGTGTTAGAGGAATTTGATTT-3'
Protein context (NP_000050.3, residues 2055-2075): FSGFSTASGK[Gln2065Pro]VSILESSLHK

ClinVar aggregate classification (germline): Likely benign (1 of 4 stars; one submission).

Conditions:
Breast-ovarian cancer, familial, susceptibility to, 2 (BROVCA2). Also called: BRCA2 Hereditary Breast and Ovarian Cancer. Identifiers: Orphanet 145, MedGen C2675520, MONDO:0012933, OMIM 612555. Disease mechanism: loss of function.

gnomAD v4.1: 1 of 1,612,996 alleles (0.000062%); highest among the groups gnomAD compares: South Asian, 0.0011%; no homozygotes.

Submission:

Cancer Bioinformatics and Tumour Evolution Laboratory, Monash University
Classification: Likely benign for Breast-ovarian cancer, familial, susceptibility to, 2. Last evaluated: 2026-05-01. Review status: criteria provided, single submitter. Criteria: ClinGen BRCA1 and BRCA2 Guidelines, 2024. Collection method: curation. Allele origin: germline. Inheritance: Autosomal dominant inheritance.
Comment: Missense variant outside of a functional domain with no splice impact. BRCA1 and BRCA2 VCEP guidelines recommend application of BP1_Strong (PMID: 39142283)